The following is an entry in ClinVar:

NM_000245.4(MET):c.724A>G (p.Arg242Gly)

Gene: MET (MET proto-oncogene, receptor tyrosine kinase; plus strand). Cytogenetic location: 7q31.2.
Variant type: single nucleotide variant.
Coding change: c.724A>G on transcript NM_000245.4 (MANE Select); coding-DNA position 724, A replaced by G.
Protein change: p.Arg242Gly; replaces arginine 242 with glycine.
Molecular consequence: missense variant. On other transcripts: intron variant (1).
Genome position (GRCh38, 1-based): chr7:116,699,808, A>G. VCF-style: chr7-116699808-A-G. GRCh37 (hg19) VCF-style: chr7-116339862-A-G.
Other names: c.724A>G, p.Arg242Gly (NM_001127500.3, NM_001324401.3); c.-91+27231A>G (NM_001324402.2); c.724A>G (NM_001127500.2); short protein forms R242G.
Identifiers: ClinVar variation 652232 (VCV000652232.17), dbSNP rs904275312, ClinGen allele CA164888930.

ClinVar aggregate classification (germline): Uncertain significance. Review status: criteria provided, multiple submitters, no conflicts (2 of 4 stars). 5 submissions from 5 submitters: Uncertain significance (5). Last evaluated 2026-04-27.

Conditions:
Renal cell carcinoma. Identifiers: Orphanet 217071, MedGen C0007134, MeSH D002292, MONDO:0005086, HP:0005584.
Hereditary cancer-predisposing syndrome. Also called: Tumor predisposition; Hereditary Cancer Syndrome; Neoplastic Syndromes, Hereditary; Hereditary neoplastic syndrome. Identifiers: Orphanet 140162, MedGen C0027672, MeSH D009386, MONDO:0015356.

Allele frequency attached by ClinVar (database versions not stated): gnomAD exomes below 0.00001; TOPMed below 0.00001.
gnomAD v4.1: 1 of 1,614,134 alleles (0.000062%); highest among the groups gnomAD compares: South Asian, 0.0011%; no homozygotes.

Submissions (5):

Ambry Genetics
Classification: Uncertain significance for Hereditary cancer-predisposing syndrome. Last evaluated: 2026-04-27. Review status: criteria provided, single submitter. Criteria: Ambry Variant Classification Scheme 2023. Collection method: clinical testing. Allele origin: germline.
Comment: The p.R242G variant (also known as c.724A>G), located in coding exon 1 of the MET gene, results from an A to G substitution at nucleotide position 724. The arginine at codon 242 is replaced by glycine, an amino acid with dissimilar properties. This amino acid position is well conserved in available vertebrate species. In addition, this alteration is predicted to be tolerated by in silico analysis. Based on the available evidence, the clinical significance of this variant remains unclear.

Labcorp Genetics (formerly Invitae), Labcorp
Classification: Uncertain significance for Renal cell carcinoma. Last evaluated: 2025-12-26. Review status: criteria provided, single submitter. Criteria: Invitae Variant Classification Sherloc (09022015). Collection method: clinical testing. Allele origin: germline.
Comment: This sequence change replaces arginine, which is basic and polar, with glycine, which is neutral and non-polar, at codon 242 of the MET protein (p.Arg242Gly). This variant is present in population databases (no rsID available, gnomAD no frequency). This variant has not been reported in the literature in individuals affected with MET-related conditions. ClinVar contains an entry for this variant (Variation ID: 652232). Invitae Evidence Modeling of protein sequence and biophysical properties (such as structural, functional, and spatial information, amino acid conservation, physicochemical variation, residue mobility, and thermodynamic stability) indicates that this missense variant is expected to disrupt MET protein function with a positive predictive value of 80%. In summary, the available evidence is currently insufficient to determine the role of this variant in disease. Therefore, it has been classified as a Variant of Uncertain Significance.

Quest Diagnostics Nichols Institute San Juan Capistrano
Classification: Uncertain significance. Last evaluated: 2025-09-05. Review status: criteria provided, single submitter. Criteria: Quest Diagnostics criteria. Collection method: clinical testing. Allele origin: unknown.

GeneDx
Classification: Uncertain significance. Last evaluated: 2023-08-28. Review status: criteria provided, single submitter. Criteria: GeneDx Variant Classification Process June 2021. Collection method: clinical testing. Allele origin: germline. Affected: yes.
Comment: Not observed at significant frequency in large population cohorts (gnomAD); In silico analysis supports that this missense variant has a deleterious effect on protein structure/function; Has not been previously published as pathogenic or benign to our knowledge

Sema4
Classification: Uncertain significance for Hereditary cancer-predisposing syndrome. Last evaluated: 2021-09-15. Review status: criteria provided, single submitter. Criteria: Sema4 Curation Guidelines. Collection method: curation. Allele origin: germline.
Comment: The MET c.724A>G (p.R242G) variant has not been reported in the literature to our knowledge. It was observed in 1/30598 chromosomes of the South Asian subpopulation in the Genome Aggregation Database (PMID: 32461654). The variant has been reported in ClinVar (Variation ID 652232). Functional studies have not been performed, and in silico predictions of the variant's effect on protein function are inconclusive. The evidence is insufficient to meet ACMG/AMP criteria for classifying the variant as benign or pathogenic. Thus, the clinical significance of this variant is currently uncertain.